The following is an entry in ClinVar:

NR_003051.4(RMRP):n.204C>T

Gene: RMRP (RNA component of mitochondrial RNA processing endoribonuclease; minus strand). Cytogenetic location: 9p13.3.
Variant type: single nucleotide variant.
Genome position: GRCh38 VCF-style: chr9-35657816-G-A. GRCh37 (hg19) VCF-style: chr9-35657813-G-A.
Identifiers: ClinVar variation 935207 (VCV000935207.5), dbSNP rs964504772, ClinGen allele CA192745567.

ClinVar aggregate classification (germline): Uncertain significance. Review status: criteria provided, single submitter (1 of 4 stars). 2 submissions from 2 submitters: Uncertain significance (1). 1 of the submissions does not count toward it. Last evaluated 2022-06-03.

Conditions:
Anauxetic dysplasia. Identifiers: Orphanet 93347, MedGen C1846796, MONDO:0011773.
Metaphyseal chondrodysplasia, McKusick type (CHH). Also called: Cartilage-Hair Hypoplasia (CHH); Cartilage-hair hypoplasia. Identifiers: Orphanet 175, MedGen C0220748, MONDO:0009595, OMIM 250250.

Allele frequency attached by ClinVar (database versions not stated): TOPMed 0.00002; gnomAD 0.00003.
gnomAD v4.1: 9 of 692,690 alleles (0.0013%); highest among the groups gnomAD compares: African/African-American, 0.012%; no homozygotes.

Submissions (2):

Labcorp Genetics (formerly Invitae), Labcorp
Classification: Uncertain significance for Anauxetic dysplasia. Last evaluated: 2022-06-03. Review status: criteria provided, single submitter. Criteria: Invitae Variant Classification Sherloc (09022015). Collection method: clinical testing. Allele origin: germline.
Comment: This variant occurs in the RMRP gene, which encodes an RNA molecule that does not result in a protein product. This variant is present in population databases (no rsID available, gnomAD 0.02%). This variant has not been reported in the literature in individuals affected with RMRP-related conditions. ClinVar contains an entry for this variant (Variation ID: 935207). Experimental studies and prediction algorithms are not available or were not evaluated, and the functional significance of this variant is currently unknown. In summary, the available evidence is currently insufficient to determine the role of this variant in disease. Therefore, it has been classified as a Variant of Uncertain Significance.

Natera, Inc.
Classification: Uncertain significance for Cartilage-hair hypoplasia. Last evaluated: 2021-04-19. Review status: no assertion criteria provided. Collection method: clinical testing. Allele origin: germline. Not counted in ClinVar's aggregate classification.